The following is an entry in ClinVar:

NM_001170629.2(CHD8):c.6306G>A (p.Lys2102=)

Gene: CHD8 (chromodomain helicase DNA binding protein 8; minus strand). Cytogenetic location: 14q11.2.
Variant type: single nucleotide variant.
Coding change: c.6306G>A on transcript NM_001170629.2 (MANE Select); coding-DNA position 6306, G replaced by A.
Protein change: p.Lys2102=; no amino-acid change (lysine 2102 retained).
Molecular consequence: synonymous variant.
Genome position (GRCh38, 1-based): chr14:21,393,489, C>T on the plus strand (G>A on the coding strand, the complement: CHD8 is on the minus strand). VCF-style: chr14-21393489-C-T. GRCh37 (hg19) VCF-style: chr14-21861648-C-T.
Other names: c.5469G>A, p.Lys1823= (NM_020920.4).
Identifiers: ClinVar variation 3353445 (VCV003353445.1).

ClinVar aggregate classification (germline): Likely benign (0 of 4 stars; one submission).

Conditions:
CHD8-related disorder. Also called: CHD8-related disorders; CHD8-related condition.

Submission:

PreventionGenetics, part of Exact Sciences
Classification: Likely benign for CHD8-related condition. Last evaluated: 2024-06-26. Review status: no assertion criteria provided. Collection method: clinical testing. Allele origin: germline.
Comment: This variant is classified as likely benign based on ACMG/AMP sequence variant interpretation guidelines (Richards et al. 2015 PMID: 25741868, with internal and published modifications).